The following is an entry in ClinVar:

NM_002691.4(POLD1):c.1558C>T (p.Leu520=)

Gene: POLD1 (DNA polymerase delta 1, catalytic subunit; plus strand). Cytogenetic location: 19q13.33.
Variant type: single nucleotide variant.
Coding change: c.1558C>T on transcript NM_002691.4 (MANE Select); coding-DNA position 1558, C replaced by T.
Protein change: p.Leu520=; no amino-acid change (leucine 520 retained).
Molecular consequence: synonymous variant. On other transcripts: non-coding transcript variant (1).
Genome position (GRCh38, 1-based): chr19:50,407,046, C>T. VCF-style: chr19-50407046-C-T. GRCh37 (hg19) VCF-style: chr19-50910303-C-T.
Other names: c.1558C>T, p.Leu520= (NM_001256849.1, NM_001308632.1); c.1558C>T (NM_002691.2).
Identifiers: ClinVar variation 1088150 (VCV001088150.11), dbSNP rs1026145989, ClinGen allele CA508183996.

ClinVar aggregate classification (germline): Benign/Likely benign. Review status: criteria provided, multiple submitters, no conflicts (2 of 4 stars). 3 submissions from 3 submitters: Benign (1); Likely benign (2). Last evaluated 2025-02-06.

Conditions:
Hereditary cancer-predisposing syndrome. Also called: Hereditary neoplastic syndrome; Neoplastic Syndromes, Hereditary; Tumor predisposition; Hereditary Cancer Syndrome. Identifiers: Orphanet 140162, MedGen C0027672, MeSH D009386, MONDO:0015356.
POLD1-related polyposis and colorectal cancer syndrome (CRCS10). Also called: Colorectal cancer, susceptibility to, 10; Colorectal cancer 10; COLORECTAL CANCER, SUSCEPTIBILITY TO, ON CHROMOSOME 19q. Identifiers: Orphanet 220460, MedGen C2675481, MONDO:0012953, OMIM 612591.

Allele frequency attached by ClinVar (database versions not stated): gnomAD exomes below 0.00001.

Submissions (3):

Myriad Genetics, Inc.
Classification: Benign for POLD1-related polyposis and colorectal cancer syndrome. Last evaluated: 2025-02-06. Review status: criteria provided, single submitter. Criteria: Myriad Autosomal Dominant, Autosomal Recessive and X-Linked Classification Criteria (2023). Collection method: clinical testing. Allele origin: unknown.
Comment: This variant is considered benign. This variant is a silent/synonymous amino acid change and it is not expected to impact splicing.

Ambry Genetics
Classification: Likely benign for Hereditary cancer-predisposing syndrome. Last evaluated: 2023-01-26. Review status: criteria provided, single submitter. Criteria: Ambry Variant Classification Scheme 2023. Collection method: clinical testing. Allele origin: germline.

Labcorp Genetics (formerly Invitae), Labcorp
Classification: Likely benign for POLD1-related polyposis and colorectal cancer syndrome. Last evaluated: 2019-06-29. Review status: criteria provided, single submitter. Criteria: Invitae Variant Classification Sherloc (09022015). Collection method: clinical testing. Allele origin: germline.